The following is an entry in ClinVar:

ClinVar aggregate classification (germline): Pathogenic (1 of 4 stars; one submission).

Conditions:
Marfan syndrome (MFS). Also called: MARFAN SYNDROME, TYPE I; Marfan syndrome type 1; Marfan's syndrome; Marfan syndrome, classic; FBN1-Related Marfan Syndrome. Identifiers: Orphanet 284963, Orphanet 558, MedGen C0024796, MONDO:0007947, OMIM 154700.
Familial thoracic aortic aneurysm and aortic dissection (TAAD). Also called: Thoracic aortic aneurysms and dissections. Identifiers: Orphanet 91387, MedGen C4707243, MONDO:0019625.

Submission:

Labcorp Genetics (formerly Invitae), Labcorp
Classification: Pathogenic for Marfan syndrome; Familial thoracic aortic aneurysm and aortic dissection. Last evaluated: 2021-10-16. Review status: criteria provided, single submitter. Criteria: Invitae Variant Classification Sherloc (09022015). Collection method: clinical testing. Allele origin: germline.
Comment: Advanced modeling of protein sequence and biophysical properties (such as structural, functional, and spatial information, amino acid conservation, physicochemical variation, residue mobility, and thermodynamic stability) performed at Invitae indicates that this missense variant is expected to disrupt FBN1 protein function. For these reasons, this variant has been classified as Pathogenic. This variant disrupts the p.Cys582 amino acid residue in FBN1. Other variant(s) that disrupt this residue have been observed in individuals with FBN1-related conditions (Invitae), which suggests that this may be a clinically significant amino acid residue. This variant affects a cysteine residue in the EGF-like, TGFBP or hybrid motif domains of FBN1. Cysteine residues are believed to be involved in intramolecular disulfide bridges and have been shown to be important for FBN1 protein structure (PMID: 16905551, 19349279). In addition, missense substitutions affecting cysteine residues within these domains are significantly overrepresented among patients with Marfan syndrome (PMID: 16571647, 17701892). This missense change has been observed in individuals with Marfan syndrome or its clinical features (PMID: 18435798; Invitae). This variant is not present in population databases (ExAC no frequency). This sequence change replaces cysteine with arginine at codon 582 of the FBN1 protein (p.Cys582Arg). The cysteine residue is highly conserved and there is a large physicochemical difference between cysteine and arginine.

Literature cited by the submitters: PubMed 16905551; PubMed 19349279; PubMed 16571647; PubMed 17701892; PubMed 18435798.

NM_000138.5(FBN1):c.1744T>C (p.Cys582Arg)

Gene: FBN1 (fibrillin 1; minus strand). Cytogenetic location: 15q21.1.
Variant type: single nucleotide variant.
Coding change: c.1744T>C on transcript NM_000138.5 (MANE Select); coding-DNA position 1744, T replaced by C.
Protein change: p.Cys582Arg; replaces cysteine 582 with arginine.
Molecular consequence: missense variant.
Genome position (GRCh38, 1-based): chr15:48,508,675, A>G on the plus strand (T>C on the coding strand, the complement: FBN1 is on the minus strand). VCF-style: chr15-48508675-A-G. GRCh37 (hg19) VCF-style: chr15-48800872-A-G.
Other names: short protein forms C582R.
Identifiers: ClinVar variation 1458007 (VCV001458007.6), dbSNP rs2141321636, ClinGen allele CA392340564.
Genomic context (GRCh38, chr15:48,508,675, plus strand): 5'-ATCCAGGTTTGCAAATACATTTAAAACTGCCATCTTCATTGATACACATTCCATTAAGGC[A>G]CATGTTCCTTATGCTGCATTCATCCATATCTGAAAATACAAAACATACATTTTCTTATGA-3'
Protein context (NP_000129.3, residues 572-592): DMDECSIRNM[Cys582Arg]LNGMCINEDG